The following is an entry in ClinVar:

ClinVar aggregate classification (germline): Likely benign. Review status: criteria provided, multiple submitters, no conflicts (2 of 4 stars). 2 submissions from 2 submitters: Likely benign (2). Last evaluated 2024-06-24.

Allele frequency attached by ClinVar (database versions not stated): gnomAD exomes 0.00001; ExAC 0.00002; gnomAD 0.00005; TOPMed 0.00005; ESP Exome Variant Server 0.00015.
gnomAD v4.1: 24 of 1,613,402 alleles (0.0015%); highest among the groups gnomAD compares: African/African-American, 0.0053%; no homozygotes.

Submissions (2):

Labcorp Genetics (formerly Invitae), Labcorp
Classification: Likely benign. Last evaluated: 2024-06-24. Review status: criteria provided, single submitter. Criteria: Invitae Variant Classification Sherloc (09022015). Collection method: clinical testing. Allele origin: germline.

CeGaT Center for Human Genetics Tuebingen
Classification: Likely benign. Last evaluated: 2022-07-01. Review status: criteria provided, single submitter. Criteria: CeGaT Center For Human Genetics Tuebingen Variant Classification Criteria Version 2. Collection method: clinical testing. Allele origin: germline. Affected: yes. Observed: 1 variant allele.
Comment: IL6R: BP4, BP7

NM_000565.4(IL6R):c.1098A>G (p.Thr366=)

Gene: IL6R (interleukin 6 receptor; plus strand). Cytogenetic location: 1q21.3.
Variant type: single nucleotide variant.
Coding change: c.1098A>G on transcript NM_000565.4 (MANE Select); coding-DNA position 1098, A replaced by G.
Protein change: p.Thr366=; no amino-acid change (threonine 366 retained).
Molecular consequence: synonymous variant. On other transcripts: intron variant (2).
Genome position (GRCh38, 1-based): chr1:154,454,519, A>G. VCF-style: chr1-154454519-A-G. GRCh37 (hg19) VCF-style: chr1-154426995-A-G.
Other names: c.1197A>G, p.Thr399= (NM_001382769.1); c.1191A>G, p.Thr397= (NM_001382770.1); c.1146A>G, p.Thr382= (NM_001382771.1); c.1092A>G, p.Thr364= (NM_001382772.1); c.738A>G, p.Thr246= (NM_001382774.1); c.1114+4539A>G (NM_001382773.1); c.1066+4539A>G (NM_181359.3).
Identifiers: ClinVar variation 2419644 (VCV002419644.29), dbSNP rs375670252, ClinGen allele CA1129272.